The following is an entry in ClinVar:

ClinVar aggregate classification (germline): Uncertain significance. Review status: criteria provided, multiple submitters, no conflicts (2 of 4 stars). 3 submissions from 3 submitters: Uncertain significance (3). Last evaluated 2026-01-24.

Conditions:
RYR1-related disorder. Also called: RYR1-related disorders; RYR1-related condition. Identifiers: MedGen CN239331.
Inborn genetic diseases. Identifiers: MedGen C0950123, MeSH D030342.
Malignant hyperthermia, susceptibility to, 1 (MHS1). Also called: Anesthesia related hyperthermia; Malignant hyperpyrexia; Fulminating hyperpyrexia; Pharmacogenic myopathy; RYR1-Related Malignant Hyperthermia Susceptibility; Malignant hyperthermia suceptibility 1. Identifiers: Orphanet 423, MedGen C2930980, MONDO:0007783, OMIM 145600.

Allele frequency attached by ClinVar (database versions not stated): gnomAD 0.00001; gnomAD exomes 0.00001 and 0.00002; ExAC 0.00002; TOPMed 0.00003.
gnomAD v4.1: 10 of 1,614,132 alleles (0.00062%); highest among the groups gnomAD compares: Admixed American, 0.017%; no homozygotes.

Submissions (3):

Labcorp Genetics (formerly Invitae), Labcorp
Classification: Uncertain significance for RYR1-related disorder. Last evaluated: 2026-01-24. Review status: criteria provided, single submitter. Criteria: Invitae Variant Classification Sherloc (09022015). Collection method: clinical testing. Allele origin: germline.
Comment: This sequence change replaces proline, which is neutral and non-polar, with serine, which is neutral and polar, at codon 816 of the RYR1 protein (p.Pro816Ser). This variant is present in population databases (rs761141862, gnomAD 0.009%). This variant has not been reported in the literature in individuals affected with RYR1-related conditions. ClinVar contains an entry for this variant (Variation ID: 1412813). Invitae Evidence Modeling of protein sequence and biophysical properties (such as structural, functional, and spatial information, amino acid conservation, physicochemical variation, residue mobility, and thermodynamic stability) indicates that this missense variant is expected to disrupt RYR1 protein function with a positive predictive value of 95%. In summary, the available evidence is currently insufficient to determine the role of this variant in disease. Therefore, it has been classified as a Variant of Uncertain Significance.

Ambry Genetics
Classification: Uncertain significance for Inborn genetic diseases. Last evaluated: 2025-08-20. Review status: criteria provided, single submitter. Criteria: Ambry Variant Classification Scheme 2023. Collection method: clinical testing. Allele origin: germline.

Color Diagnostics, LLC DBA Color Health
Classification: Uncertain significance for Malignant hyperthermia, susceptibility to, 1. Last evaluated: 2023-11-08. Review status: criteria provided, single submitter. Criteria: ACMG Guidelines, 2015. Collection method: clinical testing. Allele origin: germline.
Comment: This missense variant replaces proline with serine at codon 816 of the RYR1 protein. Computational prediction suggests that this variant may have deleterious impact on protein structure and function. To our knowledge, functional studies have not been reported for this variant. This variant has not been reported in individuals affected with RYR1-related disorders in the literature. This variant has been identified in 5/251492 chromosomes in the general population by the Genome Aggregation Database (gnomAD). The available evidence is insufficient to determine the role of this variant in disease conclusively. Therefore, this variant is classified as a Variant of Uncertain Significance.

NM_000540.3(RYR1):c.2446C>T (p.Pro816Ser)

Gene: RYR1 (ryanodine receptor 1; plus strand). Cytogenetic location: 19q13.2.
Variant type: single nucleotide variant.
Coding change: c.2446C>T on transcript NM_000540.3 (MANE Select); coding-DNA position 2446, C replaced by T.
Protein change: p.Pro816Ser; replaces proline 816 with serine.
Molecular consequence: missense variant.
Genome position (GRCh38, 1-based): chr19:38,460,460, C>T. VCF-style: chr19-38460460-C-T. GRCh37 (hg19) VCF-style: chr19-38951100-C-T.
Other names: c.2446C>T, p.Pro816Ser (NM_001042723.2); c.2446C>T (NM_000540.2); short protein forms P816S.
Identifiers: ClinVar variation 1412813 (VCV001412813.8), dbSNP rs761141862, ClinGen allele CA063242.